The following is an entry in ClinVar:

NM_000368.5(TSC1):c.2356C>T (p.Arg786Ter)

Gene: TSC1 (TSC complex subunit 1; minus strand). Cytogenetic location: 9q34.13.
Variant type: single nucleotide variant.
Coding change: c.2356C>T on transcript NM_000368.5 (MANE Select); coding-DNA position 2356, C replaced by T.
Protein change: p.Arg786Ter; replaces arginine 786 with a stop codon.
Molecular consequence: nonsense.
Genome position (GRCh38, 1-based): chr9:132,902,640, G>A on the plus strand (C>T on the coding strand, the complement: TSC1 is on the minus strand). VCF-style: chr9-132902640-G-A. GRCh37 (hg19) VCF-style: chr9-135778027-G-A.
Other names: c.2353C>T, p.Arg785Ter (NM_001162426.2); c.2203C>T, p.Arg735Ter (NM_001162427.2); c.1993C>T, p.Arg665Ter (NM_001362177.2); short protein forms R786*, R735*, R785*, R665*.
Identifiers: ClinVar variation 48943 (VCV000048943.53), dbSNP rs118203682, ClinGen allele CA006339.

ClinVar aggregate classification (germline): Pathogenic. Review status: criteria provided, multiple submitters, no conflicts (2 of 4 stars). 19 submissions from 19 submitters: Pathogenic (16). 3 of the submissions do not count toward it. Last evaluated 2025-12-01.

Conditions:
TSC1-related disorder. Also called: TSC1-related condition.
Hereditary cancer-predisposing syndrome. Also called: Hereditary Cancer Syndrome; Tumor predisposition; Neoplastic Syndromes, Hereditary; Hereditary neoplastic syndrome. Identifiers: Orphanet 140162, MedGen C0027672, MeSH D009386, MONDO:0015356.
Lymphangiomyomatosis (LAM). Also called: Lymphangioleiomyomatosis; Lymphangioleiomyomatosis, somatic. Identifiers: Orphanet 538, MedGen C0751674, MONDO:0011705, OMIM 606690.
Isolated focal cortical dysplasia type II (FCORD2). Also called: CORTICAL DYSPLASIA OF TAYLOR; Focal cortical dysplasia type II. Identifiers: Orphanet 268994, MedGen C1846385, MONDO:0011818, OMIM 607341, HP:0032051.
Tuberous sclerosis 1 (TSC1). Identifiers: Orphanet 805, MedGen C1854465, MONDO:0008612, OMIM 191100.
Tuberous sclerosis syndrome (TSC). Also called: Tuberous Sclerosis Complex; Tuberous sclerosis. Identifiers: Orphanet 805, MedGen C0041341, MONDO:0001734.
Cardiac rhabdomyoma. Identifiers: MedGen C1332852, MONDO:0006123, HP:0009729.
Hamartoma. Identifiers: MedGen C0018552, MONDO:0006499, HP:0010566.
Seizure. Also called: Seizures. Identifiers: MedGen C0036572, HP:0001250.

Submissions (19):

Labcorp Genetics (formerly Invitae), Labcorp
Classification: Pathogenic for Tuberous sclerosis 1. Last evaluated: 2025-12-01. Review status: criteria provided, single submitter. Criteria: Invitae Variant Classification Sherloc (09022015). Collection method: clinical testing. Allele origin: germline.
Comment: This sequence change creates a premature translational stop signal (p.Arg786*) in the TSC1 gene. It is expected to result in an absent or disrupted protein product. Loss-of-function variants in TSC1 are known to be pathogenic (PMID: 10227394, 17304050). This variant is not present in population databases (gnomAD no frequency). This premature translational stop signal has been observed in individual(s) with tuberous sclerosis complex (PMID: 9242607, 9803264, 9863590, 9924605, 10227394, 10363127, 10533067, 11112665, 16981987). Invitae Evidence Modeling of clinical and family history, age, sex, and reported ancestry of multiple individuals with this TSC1 variant has been performed. This variant is expected to be pathogenic with a positive predictive value of at least 99%. This is a validated machine learning model that incorporates the clinical features of 1,224,362 individuals referred to our laboratory for TSC1 testing. This variant is also known as 2577C>T. ClinVar contains an entry for this variant (Variation ID: 48943). For these reasons, this variant has been classified as Pathogenic.

Cambridge Genomics Laboratory, East Genomic Laboratory Hub, NHS Genomic Medicine Service
Classification: Pathogenic for Tuberous sclerosis. Last evaluated: 2025-11-19. Review status: criteria provided, single submitter. Criteria: ACGS Best Practice Guidelines for Variant Classification in Rare Disease 2020. Collection method: clinical testing. Allele origin: germline. Affected: yes.
Comment: PVS1,PM2,PP4

Variantyx, Inc.
Classification: Pathogenic for Tuberous sclerosis 1. Last evaluated: 2025-09-08. Review status: criteria provided, single submitter. Criteria: Variantyx Assertion Criteria 2022. Collection method: clinical testing. Allele origin: germline. Inheritance: Autosomal recessive inheritance. Affected: yes.
Comment: This is a nonsense variant in the TSC1 gene (OMIM: 605284). Pathogenic variants in this gene have been associated with autosomal dominant tuberous sclerosis 1. This variant introduces a premature termination codon in exon 18 out of 23 and is expected to result in loss of function, which is a known disease mechanism for TSC1 in this disorder (PMID: 20301399) (PVS1). This variant has been reported in many unrelated affected individuals (PMID: 9242607, 32211034, 32313033, 34849272, 39110368, 31031587) (PS4_Very_Strong) and is absent from control populations (PM2). The clinical symptoms reported for this individual are highly specific for autosomal dominant tuberous sclerosis 1, which has a limited genetic etiology (PMID: 20301399, 39039176) (PP4). Based on the current evidence, this variant is classified as pathogenic for autosomal dominant tuberous sclerosis 1.

Institute of Human Genetics, University of Leipzig Medical Center
Classification: Pathogenic for Tuberous sclerosis 1. Last evaluated: 2025-03-04. Review status: criteria provided, single submitter. Criteria: ACMG Guidelines, 2015. Collection method: clinical testing. Allele origin: unknown. Inheritance: Autosomal dominant inheritance. Affected: yes.
Comment: Criteria applied: PVS1,PS4,PM2,PP4

Department of Neurology, Zibo Changguo Hospital
Classification: Pathogenic for Tuberous sclerosis 1. Last evaluated: 2025-01-10. Review status: criteria provided, single submitter. Criteria: ACMG Guidelines, 2015. Collection method: clinical testing. Allele origin: germline. Inheritance: Autosomal dominant inheritance. Affected: yes.
Comment: PVS1, PS4, PM2_Supporting

Myriad Genetics, Inc.
Classification: Pathogenic for Tuberous sclerosis 1. Last evaluated: 2024-09-10. Review status: criteria provided, single submitter. Criteria: Myriad Autosomal Dominant, Autosomal Recessive and X-Linked Classification Criteria (2023). Collection method: clinical testing. Allele origin: unknown.
Comment: This variant is considered pathogenic. This variant creates a termination codon and is predicted to result in premature protein truncation.

Revvity Omics, Revvity
Classification: Pathogenic. Last evaluated: 2024-05-02. Review status: criteria provided, single submitter. Criteria: ACMG Guidelines, 2015. Collection method: clinical testing. Allele origin: germline.

Blueprint Genetics
Classification: Pathogenic for TSC1-related disorders. Last evaluated: 2024-04-29. Review status: criteria provided, single submitter. Criteria: ACMG Guidelines, 2015. Collection method: clinical testing. Allele origin: germline. Affected: yes. Observed: 1 variant allele.

Ambry Genetics
Classification: Pathogenic for Hereditary cancer-predisposing syndrome. Last evaluated: 2024-04-11. Review status: criteria provided, single submitter. Criteria: Ambry Variant Classification Scheme 2023. Collection method: clinical testing. Allele origin: germline.
Comment: The p.R786* pathogenic mutation (also known as c.2356C>T), located in coding exon 16 of the TSC1 gene, results from a C to T substitution at nucleotide position 2356. This changes the amino acid from an arginine to a stop codon within coding exon 16. This mutation has been detected in both sporadic and familial tuberous sclerosis complex (TSC) cases (van Slegtenhorst M et al. Science. 1997 Aug;277:805-8; Hung CC et al. BMC Med. Genet. 2006 Sep;7:72). In addition to the clinical data presented in the literature, this alteration is expected to result in loss of function by premature protein truncation or nonsense-mediated mRNA decay. As such, this alteration is interpreted as a disease-causing mutation.

Fulgent Genetics
Classification: Pathogenic for Tuberous sclerosis 1; Lymphangiomyomatosis; Isolated focal cortical dysplasia type II. Last evaluated: 2024-03-20. Review status: criteria provided, single submitter. Criteria: ACMG Guidelines, 2015. Collection method: clinical testing. Allele origin: germline.

CeGaT Center for Human Genetics Tuebingen
Classification: Pathogenic. Last evaluated: 2024-01-01. Review status: criteria provided, single submitter. Criteria: CeGaT Center For Human Genetics Tuebingen Variant Classification Criteria Version 2. Collection method: clinical testing. Allele origin: germline. Affected: yes. Observed: 1 variant allele.
Comment: TSC1: PVS1, PM2, PS4:Moderate

GeneDx
Classification: Pathogenic. Last evaluated: 2022-08-05. Review status: criteria provided, single submitter. Criteria: GeneDx Variant Classification Process June 2021. Collection method: clinical testing. Allele origin: germline. Affected: yes.
Comment: Reported previously multiple times in association with tuberous sclerosis complex (van Slegtenhorst et al., 1997; Au et al., 2007; TSC1 LOVD); Nonsense variant predicted to result in protein truncation or nonsense mediated decay in a gene for which loss-of-function is a known mechanism of disease; Not observed in large population cohorts (gnomAD); This variant is associated with the following publications: (PMID: 11112665, 16981987, 9328481, 29476190, 32532290, 25525159, 9242607, 9924605, 10363127, 9803264, 9863590, 10227394, 10533067, 25498131, 15798777, 17304050, 30693677, 32211034, 32313033, 32238909, 31031587, 30787465, 34480426, 34849272, 31377847)

Genome-Nilou Lab
Classification: Pathogenic for Tuberous sclerosis 1. Last evaluated: 2021-11-07. Review status: criteria provided, single submitter. Criteria: ACMG Guidelines, 2015. Collection method: clinical testing. Allele origin: germline. Affected: no.

Cavalleri Lab, Royal College of Surgeons in Ireland
Classification: Pathogenic for Tuberous sclerosis 1. Last evaluated: 2019-12-11. Review status: criteria provided, single submitter. Criteria: ACMG Guidelines, 2015. Collection method: research. Allele origin: de novo. Inheritance: Sporadic. Affected: yes.
Comment: ACMG evidence PVS1, PS2, PM2, PP5

Center for Human Genetics, Inc
Classification: Pathogenic for Tuberous sclerosis 1. Last evaluated: 2016-11-01. Review status: criteria provided, single submitter. Criteria: ACMG Guidelines, 2015. Collection method: clinical testing. Allele origin: germline. Affected: yes.

Athena Diagnostics
Classification: Pathogenic. Last evaluated: 2015-06-10. Review status: criteria provided, single submitter. Criteria: Athena Diagnostics Criteria. Collection method: clinical testing. Allele origin: germline.

Division of Genomic Medicine, Department of Advanced Medicine, Medical Research Institute, Kanazawa Medical University
Classification: Pathogenic for Tuberous sclerosis 1. Last evaluated: 2020-06-09. Review status: no assertion criteria provided. Collection method: clinical testing. Allele origin: germline. Affected: yes. Observed: 2 variant alleles. Not counted in ClinVar's aggregate classification.

Centre for Mendelian Genomics, University Medical Centre Ljubljana
Classification: Pathogenic for Cardiac rhabdomyoma; Hamartoma; Seizure. Last evaluated: 2016-01-18. Review status: no assertion criteria provided. Collection method: clinical testing. Allele origin: unknown. Affected: yes. Not counted in ClinVar's aggregate classification.

Tuberous sclerosis database (TSC1)
No classification provided. Condition: TSC. Review status: no classification provided. Criteria: Tuberous Sclerosis Database Assertion Criteria 2015. Collection method: curation. Allele origin: germline. Affected: yes. Not counted in ClinVar's aggregate classification.

Literature cited by the submitters: PubMed 10227394 (cited by Labcorp Genetics (formerly Invitae), Labcorp and Athena Diagnostics); PubMed 17304050 (cited by Labcorp Genetics (formerly Invitae), Labcorp and Athena Diagnostics); PubMed 9242607 (cited by 4 submitters); PubMed 9803264 (cited by Labcorp Genetics (formerly Invitae), Labcorp and Athena Diagnostics); PubMed 9863590 (cited by Labcorp Genetics (formerly Invitae), Labcorp and Athena Diagnostics); PubMed 9924605 (cited by Labcorp Genetics (formerly Invitae), Labcorp and Athena Diagnostics); PubMed 10363127 (cited by Labcorp Genetics (formerly Invitae), Labcorp and Athena Diagnostics); PubMed 10533067 (cited by Labcorp Genetics (formerly Invitae), Labcorp and Athena Diagnostics); PubMed 11112665 (cited by Labcorp Genetics (formerly Invitae), Labcorp and Athena Diagnostics); PubMed 16981987 (cited by 3 submitters); PubMed 20301399 (cited by Variantyx, Inc.); PubMed 32211034 (cited by Variantyx, Inc. and Ambry Genetics); PubMed 32313033 (cited by Variantyx, Inc.); PubMed 34849272 (cited by Variantyx, Inc.); PubMed 39110368 (cited by Variantyx, Inc.); PubMed 31031587 (cited by Variantyx, Inc.); PubMed 32238909 (cited by Cavalleri Lab, Royal College of Surgeons in Ireland).